The following is an entry in ClinVar:

ClinVar aggregate classification (germline): Uncertain significance. Review status: criteria provided, multiple submitters, no conflicts (2 of 4 stars). 5 submissions from 5 submitters: Uncertain significance (5). Last evaluated 2026-04-01.

Conditions:
Neonatal-onset encephalopathy with rigidity and seizures. Also called: Lethal neonatal spasticity-epileptic encephalopathy syndrome. Identifiers: Orphanet 435845, MedGen C3281029, MONDO:0013784, OMIM 614498.
Inborn genetic diseases. Identifiers: MedGen C0950123, MeSH D030342.
Neurodevelopmental disorder with cerebellar atrophy and with or without seizures. Identifiers: MedGen C4748032, MONDO:0020841, OMIM 618056.

Allele frequency attached by ClinVar (database versions not stated): ExAC 0.00005; gnomAD exomes 0.00006 and 0.00010; gnomAD 0.00010 and 0.00011; TOPMed 0.00011.
gnomAD v4.1: 162 of 1,599,300 alleles (0.01%); highest among the groups gnomAD compares: Middle Eastern, 0.016%; no homozygotes.

Submissions (5):

Ambry Genetics
Classification: Uncertain significance for Inborn genetic diseases. Last evaluated: 2026-04-01. Review status: criteria provided, single submitter. Criteria: Ambry Variant Classification Scheme 2023. Collection method: clinical testing. Allele origin: germline.
Comment: The c.1939G>T (p.D647Y) alteration is located in exon 14 (coding exon 13) of the BRAT1 gene. This alteration results from a G to T substitution at nucleotide position 1939, causing the aspartic acid (D) at amino acid position 647 to be replaced by a tyrosine (Y). Based on data from gnomAD, the T allele has an overall frequency of 0.007% (17/260420) total alleles studied. The highest observed frequency was 0.013% (16/120286) of European (non-Finnish) alleles. Based on insufficient or conflicting evidence, the clinical significance of this alteration remains unclear.

GeneDx
Classification: Uncertain significance. Last evaluated: 2025-12-03. Review status: criteria provided, single submitter. Criteria: GeneDx Variant Classification Process June 2021. Collection method: clinical testing. Allele origin: germline.
Comment: Not observed at significant frequency in large population cohorts (gnomAD); In silico analysis supports that this missense variant has a deleterious effect on protein structure/function; Has not been previously published as pathogenic or benign to our knowledge

Blueprint Genetics
Classification: Uncertain significance. Last evaluated: 2024-10-02. Review status: criteria provided, single submitter. Criteria: ACMG Guidelines, 2015. Collection method: clinical testing. Allele origin: germline.

Labcorp Genetics (formerly Invitae), Labcorp
Classification: Uncertain significance for Neonatal-onset encephalopathy with rigidity and seizures. Last evaluated: 2022-09-01. Review status: criteria provided, single submitter. Criteria: Invitae Variant Classification Sherloc (09022015). Collection method: clinical testing. Allele origin: germline.
Comment: This sequence change replaces aspartic acid, which is acidic and polar, with tyrosine, which is neutral and polar, at codon 647 of the BRAT1 protein (p.Asp647Tyr). This variant is present in population databases (rs751770538, gnomAD 0.01%). This variant has not been reported in the literature in individuals affected with BRAT1-related conditions. ClinVar contains an entry for this variant (Variation ID: 472957). Algorithms developed to predict the effect of missense changes on protein structure and function (SIFT, PolyPhen-2, Align-GVGD) all suggest that this variant is likely to be disruptive. In summary, the available evidence is currently insufficient to determine the role of this variant in disease. Therefore, it has been classified as a Variant of Uncertain Significance.

Fulgent Genetics
Classification: Uncertain significance for Neonatal-onset encephalopathy with rigidity and seizures; Neurodevelopmental disorder with cerebellar atrophy and with or without seizures. Last evaluated: 2021-12-07. Review status: criteria provided, single submitter. Criteria: ACMG Guidelines, 2015. Collection method: clinical testing. Allele origin: unknown.

NM_152743.4(BRAT1):c.1939G>T (p.Asp647Tyr)

Gene: BRAT1 (BRCA1 associated ATM activator 1; minus strand). Cytogenetic location: 7p22.3.
Variant type: single nucleotide variant.
Coding change: c.1939G>T on transcript NM_152743.4 (MANE Select); coding-DNA position 1939, G replaced by T.
Protein change: p.Asp647Tyr; replaces aspartic acid 647 with tyrosine.
Molecular consequence: missense variant. On other transcripts: non-coding transcript variant (1).
Genome position (GRCh38, 1-based): chr7:2,538,596, C>A on the plus strand (G>T on the coding strand, the complement: BRAT1 is on the minus strand). VCF-style: chr7-2538596-C-A. GRCh37 (hg19) VCF-style: chr7-2578230-C-A.
Other names: c.2119G>T, p.Asp707Tyr (NM_001350626.2); c.1414G>T, p.Asp472Tyr (NM_001350627.2); short protein forms D647Y, D472Y, D707Y.
Identifiers: ClinVar variation 472957 (VCV000472957.11), dbSNP rs751770538, ClinGen allele CA4127508.